The following is an entry in ClinVar:

ClinVar aggregate classification (germline): Benign. Review status: criteria provided, multiple submitters, no conflicts (2 of 4 stars). 2 submissions from 2 submitters: Benign (2). Last evaluated 2018-01-12.

Conditions:
X-linked lymphoproliferative disease due to XIAP deficiency. Also called: XIAP DEFICIENCY; XIAP-Related Lymphoproliferative Disease, X-Linked. Identifiers: Orphanet 2442, Orphanet 538934, MedGen C1845076, MONDO:0010385, OMIM 300635.

Allele frequency attached by ClinVar (database versions not stated): gnomAD 0.00134 and 0.00163; ExAC 0.00722.
gnomAD v4.1: 447 of 224,884 alleles (0.2%); highest among the groups gnomAD compares: East Asian, 3.9%; no homozygotes.

Submissions (2):

Illumina Laboratory Services, Illumina
Classification: Benign for X-linked lymphoproliferative disease due to XIAP deficiency. Last evaluated: 2018-01-12. Review status: criteria provided, single submitter. Criteria: ICSL Variant Classification Criteria 13 December 2019. Collection method: clinical testing. Allele origin: germline.
Comment: This variant was observed in the ICSL laboratory as part of a predisposition screen in an ostensibly healthy population. It had not been previously curated by ICSL or reported in the Human Gene Mutation Database (HGMD: prior to June 1st, 2018), and was therefore a candidate for classification through an automated scoring system. Utilizing variant allele frequency, disease prevalence and penetrance estimates, and inheritance mode, an automated score was calculated to assess if this variant is too frequent to cause the disease. Based on the score and internal cut-off values, a variant classified as benign is not then subjected to further curation. The score for this variant resulted in a classification of benign for this disease.

Breakthrough Genomics
Classification: Benign. Review status: criteria provided, single submitter. Criteria: ACMG Guidelines, 2015. Collection method: not provided. Allele origin: germline. Inheritance: X-linked inheritance. Affected: yes.

NM_001167.4(XIAP):c.*5505G>A

Gene: XIAP (X-linked inhibitor of apoptosis; plus strand). Cytogenetic location: Xq25.
Variant type: single nucleotide variant.
Coding change: c.*5505G>A on transcript NM_001167.4 (MANE Select); 5505 bases downstream of the stop codon, G replaced by A.
Molecular consequence: 3 prime UTR variant. On other transcripts: non-coding transcript variant (2).
Genome position (GRCh38, 1-based): chrX:123,912,686, G>A. VCF-style: chrX-123912686-G-A. GRCh37 (hg19) VCF-style: chrX-123046536-G-A.
Other names: c.*5505G>A (NM_001204401.2, NM_001378590.1, NM_001378591.1 and 1 more transcripts).
Identifiers: ClinVar variation 913153 (VCV000913153.5), dbSNP rs28745607, ClinGen allele CA10508429.